The following is an entry in ClinVar:

ClinVar aggregate classification (germline): Uncertain significance (1 of 4 stars; one submission).

Conditions:
Cardiovascular phenotype. Identifiers: MedGen CN230736.

gnomAD v4.1: 6 of 1,609,380 alleles (0.00037%); highest among the groups gnomAD compares: African/African-American, 0.0013%; no homozygotes.

Submission:

Ambry Genetics
Classification: Uncertain significance for Cardiovascular phenotype. Last evaluated: 2026-07-11. Review status: criteria provided, single submitter. Criteria: Ambry Variant Classification Scheme 2023. Collection method: clinical testing. Allele origin: germline.
Comment: The p.S2843I variant (also known as c.8528G>T), located in coding exon 24 of the DSP gene, results from a G to T substitution at nucleotide position 8528. The serine at codon 2843 is replaced by isoleucine, an amino acid with dissimilar properties. This amino acid position is conserved. In addition, the in silico prediction for this alteration is inconclusive. Based on the available evidence, the clinical significance of this variant remains unclear.

NM_004415.4(DSP):c.8528G>T (p.Ser2843Ile)

Gene: DSP (desmoplakin; plus strand). Cytogenetic location: 6p24.3.
Variant type: single nucleotide variant.
Coding change: c.8528G>T on transcript NM_004415.4 (MANE Select); coding-DNA position 8528, G replaced by T.
Protein change: p.Ser2843Ile; replaces serine 2843 with isoleucine.
Molecular consequence: missense variant.
Genome position (GRCh38, 1-based): chr6:7,585,790, G>T. VCF-style: chr6-7585790-G-T. GRCh37 (hg19) VCF-style: chr6-7586023-G-T.
Other names: c.6731G>T, p.Ser2244Ile (NM_001008844.3); c.7199G>T, p.Ser2400Ile (NM_001319034.2); short protein forms S2244I, S2843I, S2400I.
Identifiers: ClinVar variation 5035648 (VCV005035648.1).
Genomic context (GRCh38, chr6:7,585,790, plus strand): 5'-CGGGGTCCCGCTCCGGCTCCCGCTCGGGATCTCGCTCCGGATCTCGCTCCGGGTCCCGCA[G>T]TGGGTCCCGGAGAGGAAGCTTTGACGCCACAGGGAATTCTTCCTACTCTTATTCCTACTC-3'
Protein context (NP_004406.2, residues 2833-2853): SRSGSRSGSR[Ser2843Ile]GSRRGSFDAT